The following is an entry in ClinVar:

ClinVar aggregate classification (germline): Uncertain significance (1 of 4 stars; one submission).

Conditions:
Intellectual developmental disorder, autosomal dominant 1. Also called: Intellectual disability, autosomal dominant 1; MBD5 Haploinsufficiency. Identifiers: Orphanet 228402, MedGen C1969562, MONDO:0007974, OMIM 156200.

Submission:

Labcorp Genetics (formerly Invitae), Labcorp
Classification: Uncertain significance for Intellectual developmental disorder, autosomal dominant 1. Last evaluated: 2023-07-31. Review status: criteria provided, single submitter. Criteria: Invitae Variant Classification Sherloc (09022015). Collection method: clinical testing. Allele origin: germline.
Comment: Experimental studies and prediction algorithms are not available or were not evaluated, and the functional significance of this variant is currently unknown. In summary, the available evidence is currently insufficient to determine the role of this variant in disease. Therefore, it has been classified as a Variant of Uncertain Significance. This variant has not been reported in the literature in individuals affected with MBD5-related conditions. This variant is not present in population databases (gnomAD no frequency). This sequence change replaces glycine, which is neutral and non-polar, with arginine, which is basic and polar, at codon 1081 of the MBD5 protein (p.Gly1081Arg).

NM_001378120.1(MBD5):c.3940G>C (p.Gly1314Arg)

Gene: MBD5 (methyl-CpG binding domain protein 5; plus strand). Cytogenetic location: 2q23.1.
Variant type: single nucleotide variant.
Coding change: c.3940G>C on transcript NM_001378120.1 (MANE Select); coding-DNA position 3940, G replaced by C.
Protein change: p.Gly1314Arg; replaces glycine 1314 with arginine.
Molecular consequence: missense variant.
Genome position (GRCh38, 1-based): chr2:148,489,572, G>C. VCF-style: chr2-148489572-G-C. GRCh37 (hg19) VCF-style: chr2-149247141-G-C.
Other names: c.3241G>C, p.Gly1081Arg (NM_018328.5); short protein forms G1314R, G1081R.
Identifiers: ClinVar variation 2748608 (VCV002748608.3), dbSNP rs1681452038, ClinGen allele CA348725868.
Genomic context (GRCh38, chr2:148,489,572, plus strand): 5'-CCGAGGATTGACCCATCTCTTGGTCAACAGGTGAAGGATGGCCTCGTTGTGGGTGGCCCA[G>C]GTGATGCTTCCGTAGATGCCATTTACAAAGCAGTTGTCGATGCAGCCAGCAAAGGAATGC-3'
Protein context (NP_001365049.1, residues 1304-1324): VKDGLVVGGP[Gly1314Arg]DASVDAIYKA